The following is an entry in ClinVar:

NM_000552.5(VWF):c.5755T>C (p.Cys1919Arg)

Gene: VWF (von Willebrand factor; minus strand). Cytogenetic location: 12p13.31.
Variant type: single nucleotide variant.
Coding change: c.5755T>C on transcript NM_000552.5 (MANE Select); coding-DNA position 5755, T replaced by C.
Protein change: p.Cys1919Arg; replaces cysteine 1919 with arginine.
Molecular consequence: missense variant.
Genome position (GRCh38, 1-based): chr12:6,011,704, A>G on the plus strand (T>C on the coding strand, the complement: VWF is on the minus strand). VCF-style: chr12-6011704-A-G. GRCh37 (hg19) VCF-style: chr12-6120870-A-G.
Other names: p.Cys1919Arg; short protein forms C1919R.
Identifiers: ClinVar variation 3380067 (VCV003380067.1).

ClinVar aggregate classification (germline): Uncertain significance (1 of 4 stars; one submission).

Submission:

Mayo Clinic Laboratories, Mayo Clinic
Classification: Uncertain significance. Last evaluated: 2024-07-18. Review status: criteria provided, single submitter. Criteria: ACMG Guidelines, 2015. Collection method: clinical testing. Allele origin: germline. Observed: 1 variant allele.
Comment: PM2